The following is an entry in ClinVar:

ClinVar aggregate classification (germline): Uncertain significance (0 of 4 stars; one submission).

Conditions:
MKS1-related disorder. Also called: MKS1-related condition; MKS1-related disorders. Identifiers: MedGen CN239382.

gnomAD v4.1: 1 of 1,614,028 alleles (0.000062%); highest among the groups gnomAD compares: Non-Finnish European, 0.000085%; no homozygotes.

Submission:

PreventionGenetics, part of Exact Sciences
Classification: Uncertain significance for MKS1-related condition. Last evaluated: 2024-03-06. Review status: no assertion criteria provided. Collection method: clinical testing. Allele origin: germline.
Comment: The MKS1 c.599C>T variant is predicted to result in the amino acid substitution p.Pro200Leu. To our knowledge, this variant has not been reported in the literature or in a large population database, indicating this variant is rare. At this time, the clinical significance of this variant is uncertain due to the absence of conclusive functional and genetic evidence.

NM_017777.4(MKS1):c.599C>T (p.Pro200Leu)

Gene: MKS1 (MKS transition zone complex subunit 1; minus strand). Cytogenetic location: 17q22.
Variant type: single nucleotide variant.
Coding change: c.599C>T on transcript NM_017777.4 (MANE Select); coding-DNA position 599, C replaced by T.
Protein change: p.Pro200Leu; replaces proline 200 with leucine.
Molecular consequence: missense variant. On other transcripts: 5 prime UTR variant (1).
Genome position (GRCh38, 1-based): chr17:58,214,304, G>A on the plus strand (C>T on the coding strand, the complement: MKS1 is on the minus strand). VCF-style: chr17-58214304-G-A. GRCh37 (hg19) VCF-style: chr17-56291665-G-A.
Other names: c.-11C>T (NM_001321268.2); c.599C>T, p.Pro200Leu (NM_001321269.2, NM_001330397.2, NM_001411113.1); short protein forms P200L.
Identifiers: ClinVar variation 3348158 (VCV003348158.1).
Genomic context (GRCh38, chr17:58,214,304, plus strand): 5'-AGAAGCGCCACTCACTTTTTATAGGGCCCCAGGTCTGCCATGATGTGCATTGTCTGAAGA[G>A]GGGTGTTAATGACGTGGTTGTTCCTGACAAACTCTTCTGAGGGCTCCCAGGTGACGATGC-3'
Protein context (NP_060247.2, residues 190-210): FVRNNHVINT[Pro200Leu]LQTMHIMADL